The following is an entry in ClinVar:

ClinVar aggregate classification (germline): drug response. Review status: reviewed by expert panel (3 of 4 stars). 23 submissions from 21 submitters: drug response (1). 22 of the submissions do not count toward it. Last evaluated 2021-03-24.

Conditions:
CFTR-related disorder (CFTR-RD). Also called: CFTR-related condition; CFTR-related disorders. Identifiers: MedGen C5924204, MONDO:7770004.
Cystic fibrosis (CF). Also called: MUCOVISCIDOSIS. Identifiers: Orphanet 586, MedGen C0010674, MONDO:0009061, OMIM 219700. Disease mechanism: loss of function.
Congenital bilateral absence of vas deferens. Identifiers: Orphanet 48, MedGen C1865433, MONDO:0018801.
Congenital bilateral aplasia of vas deferens from CFTR mutation (CBAVD). Identifiers: Orphanet 48, MedGen C0403814, MONDO:0010178, OMIM 277180. Disease mechanism: loss of function.
Hereditary pancreatitis (PCTT). Also called: Hereditary chronic pancreatitis; PRSS1-Related Hereditary Pancreatitis. Identifiers: Orphanet 676, MedGen C0238339, MONDO:0008185, OMIM 167800.
Bronchiectasis with or without elevated sweat chloride 1 (BESC1). Also called: Cystic Fibrosis-Like Syndrome. Identifiers: Orphanet 60033, MedGen C2749757, MONDO:0008887, OMIM 211400.
ivacaftor response - Efficacy. Identifiers: MedGen CN322735.

Allele frequency attached by ClinVar (database versions not stated): gnomAD 0.00003; ExAC 0.00004; gnomAD exomes 0.00005; TOPMed 0.00006; ESP Exome Variant Server 0.00008; 1000 Genomes Project 0.00020; 1000 Genomes Project 30x 0.00031.
gnomAD v4.1: 129 of 1,613,480 alleles (0.008%); highest among the groups gnomAD compares: Non-Finnish European, 0.0099%; no homozygotes.

Submissions 1 to 6 of 23:

ClinPGx
Classification: drug response for ivacaftor response - Efficacy. Last evaluated: 2021-03-24. Review status: reviewed by expert panel. Criteria: Pharmacogenomics knowledge for personalized medicine. Collection method: curation. Allele origin: germline. Affected: yes.
Comment: PharmGKB Level of Evidence 1A: Level 1A clinical annotations describe variant-drug combinations that have variant-specific prescribing guidance available in a current clinical guideline annotation or an FDA-approved drug label annotation. Annotations of drug labels or clinical guidelines must give prescribing guidance for specific variants (e.g. CYP2C9*3, HLA-B*57:01) or provide mapping from defined allele functions to diplotypes and phenotypes to be used as supporting evidence for a level 1A clinical annotation. Level 1A clinical annotations must also be supported by at least one publication in addition to a clinical guideline or drug label with variant-specific prescribing guidance.

Drug is not necessarily used to treat response condition

Labcorp Genetics (formerly Invitae), Labcorp
Classification: Pathogenic for Cystic fibrosis. Last evaluated: 2026-01-19. Review status: criteria provided, single submitter. Criteria: Invitae Variant Classification Sherloc (09022015). Collection method: clinical testing. Allele origin: germline. Not counted in ClinVar's aggregate classification.
Comment: This sequence change replaces arginine, which is basic and polar, with tryptophan, which is neutral and slightly polar, at codon 1070 of the CFTR protein (p.Arg1070Trp). This variant is present in population databases (rs202179988, gnomAD 0.01%). This missense change has been observed in individual(s) with cystic fibrosis and congenital absence of the vas deferens (PMID: 7539342, 10923036, 12167682, 15070876). In at least one individual the data is consistent with being in trans (on the opposite chromosome) from a pathogenic variant. ClinVar contains an entry for this variant (Variation ID: 53685). Invitae Evidence Modeling of protein sequence and biophysical properties (such as structural, functional, and spatial information, amino acid conservation, physicochemical variation, residue mobility, and thermodynamic stability) indicates that this missense variant is expected to disrupt CFTR protein function with a positive predictive value of 80%. Experimental studies have shown that this missense change affects CFTR function (PMID: 18951463, 23891399). For these reasons, this variant has been classified as Pathogenic.

Natera, Inc.
Classification: Likely pathogenic for CFTR-related disorders. Last evaluated: 2025-09-16. Review status: criteria provided, single submitter. Criteria: Natera Variant Classification Schema (03/2026). Collection method: clinical testing. Allele origin: germline. Not counted in ClinVar's aggregate classification.
Comment: The c.3208C>T variant in CFTR is a missense variant predicted to cause substitution of arginine to tryptophan at amino acid 1070. This variant is rare in the general population with a frequency below the threshold expected for the associated phenotype(s). This variant has been observed in one or more individuals affected with the associated recessive disease, as either homozygous or compound heterozygous with a second variant (PMID: 18094014, 12167682, 33374015). A different variant at the same position has been determined to be Pathogenic or Likely Pathogenic. Computational prediction algorithms indicate this variant is likely to affect gene or protein function. Given the available evidence, this variant is classified as Likely Pathogenic.

GeneDx
Classification: Likely pathogenic. Last evaluated: 2025-08-06. Review status: criteria provided, single submitter. Criteria: GeneDx Variant Classification Process June 2021. Collection method: clinical testing. Allele origin: germline. Not counted in ClinVar's aggregate classification.
Comment: Published functional studies demonstrate a damaging effect: reduced cell surface expression and chloride transport with defective channel gating (PMID: 8662892, 23974870, 23891399); Observed with a pathogenic variant in patients with cystic fibrosis or CFTR-related disorders (PMID: 11101688, 16189704, 18951463, 20837875, 31268981); In silico analysis supports that this missense variant has a deleterious effect on protein structure/function; Classified as a variant of varying clinical consequence in a well-curated database (CFTR2); This variant is associated with the following publications: (PMID: 8530001, 31036917, 27171515, 30873022, 25087612, 21520337, 23891399, 20460946, 21228398, 27469177, 8662892, 18951463, 10762539, 23974870, 7539342, 26708955, 20837875, 17331079, 11101688, 26014425, 16189704, 12955726, 12815607, 20880762, 28800122, 20667826, 32630527, 35327663, 31268981, 34996830, 33374015, 35451201, 34931337, 36703223, 31328366, 15070876, 39928576, 40040803, 28603918, 10923036, 12167682, 38515211, 39740802, 30022950, 32628927, 29318594, 32934006, 38336013, 38666024, 40227282, 39553608, 38397368, 40065563)

Dasa
Classification: Pathogenic. Last evaluated: 2025-04-28. Review status: criteria provided, single submitter. Criteria: DASA Assertion Criteria. Collection method: clinical testing. Allele origin: germline. Not counted in ClinVar's aggregate classification.
Comment: NM_000492.4(CFTR):c.3208C>T (p.Arg1070Trp) is a missense variant that results in the substitution of arginine with tryptophan. The affected residue or protein region has prior evidence supporting clinical relevance. This variant has been observed in affected individuals with related phenotype in a genotype context consistent with recessive disease (PMID: 539342; PMID: 10923036; PMID: 12167682; PMID: 15070876; PMID: 18951463). Functional evidence supports a deleterious effect on the gene or gene product (PMID: 539342; PMID: 10923036; PMID: 12167682; PMID: 15070876; PMID: 18951463). This variant has been recurrently observed in individuals with related phenotype (PMID: 539342; PMID: 10923036; PMID: 12167682; PMID: 15070876; PMID: 18951463). Segregation evidence has been reported in affected families. Multiple computational predictions support a deleterious effect on the gene or gene product. The variant is present at low frequency in population datasets. Based on the available data, this variant is classified as pathogenic.

PreventionGenetics, part of Exact Sciences
Classification: Likely pathogenic for CFTR-related condition. Last evaluated: 2025-03-04. Review status: criteria provided, single submitter. Criteria: ACMG Guidelines, 2015. Collection method: clinical testing. Allele origin: germline. Not counted in ClinVar's aggregate classification.
Comment: The CFTR c.3208C>T variant is predicted to result in the amino acid substitution p.Arg1070Trp. This variant has been reported in cohorts of individuals with suspected cystic fibrosis (see, for example, Krasnov et al. 2008. PubMed ID: 18951463; Pelletier et al. 2010. PubMed ID: 20460946; Ferec et al. 1995. PubMed ID: 8530001) as well as in the compound heterozygous state in patients with congenital bilateral absence of vas deferens (Jezequel et al. 1995. PubMed ID: 7539342; Steiner et al. 2011. PubMed ID: 21520337). In vitro studies suggest that this variant results in a defect of normal CFTR processing (see for example, Van Goor et al. 2013. PubMed ID: 23891399; Sosnay et al. 2013. PubMed ID: 23974870), with some studies suggesting that the p.Arg1070Trp variant may be a revertant variant that can be in cis with another CFTR variant resulting in a more mildly deleterious allele (see for example, Krasnov et al. 2008. PubMed ID: 18951463; Taniguchi et al. 2024. PubMed ID: 38666024; Carrozzo et al. 2024. PubMed ID: 39797401). This variant is reported in 0.0085% of alleles in individuals of Latino descent in gnomAD. This variant is interpreted as likely pathogenic.

NM_000492.4(CFTR):c.3208C>T (p.Arg1070Trp)

Genes: CFTR (CF transmembrane conductance regulator; plus strand), CFTR-AS2 (CFTR antisense RNA 2; minus strand), LOC111674472 (DNase I hypersensitive sites in introns 16 and 17a of CFTR; plus strand). Cytogenetic location: 7q31.2.
Variant type: single nucleotide variant.
Coding change: c.3208C>T on transcript NM_000492.4 (MANE Select); coding-DNA position 3208, C replaced by T.
Protein change: p.Arg1070Trp; replaces arginine 1070 with tryptophan.
Molecular consequence: missense variant.
Genome position (GRCh38, 1-based): chr7:117,611,649, C>T. VCF-style: chr7-117611649-C-T. GRCh37 (hg19) VCF-style: chr7-117251703-C-T.
Other names: short protein forms R1070W.
Identifiers: ClinVar variation 53685 (VCV000053685.51), dbSNP rs202179988, ClinGen allele CA327099.